The following is an entry in ClinVar:

NM_004408.4(DNM1):c.1429C>A (p.Leu477Ile)

Gene: DNM1 (dynamin 1; plus strand). Cytogenetic location: 9q34.11.
Variant type: single nucleotide variant.
Coding change: c.1429C>A on transcript NM_004408.4 (MANE Select); coding-DNA position 1429, C replaced by A.
Protein change: p.Leu477Ile; replaces leucine 477 with isoleucine.
Molecular consequence: missense variant.
Genome position (GRCh38, 1-based): chr9:128,239,451, C>A. VCF-style: chr9-128239451-C-A. GRCh37 (hg19) VCF-style: chr9-131001730-C-A.
Other names: c.1429C>A, p.Leu477Ile (NM_001005336.3, NM_001288737.2, NM_001288738.2 and 2 more transcripts); short protein forms L477I.
Identifiers: ClinVar variation 2633454 (VCV002633454.1), dbSNP rs1836224478, ClinGen allele CA375023980.

ClinVar aggregate classification (germline): Uncertain significance (1 of 4 stars; one submission).

Conditions:
DNM1-related disorder. Also called: DNM1-related condition.

Allele frequency attached by ClinVar (database versions not stated): gnomAD 0.00001; gnomAD exomes 0.00001.
gnomAD v4.1: 13 of 1,613,660 alleles (0.00081%); highest among the groups gnomAD compares: Non-Finnish European, 0.0011%; no homozygotes.

Submission:

PreventionGenetics, part of Exact Sciences
Classification: Uncertain significance for DNM1-related condition. Last evaluated: 2023-04-04. Review status: criteria provided, single submitter. Criteria: ACMG Guidelines, 2015. Collection method: clinical testing. Allele origin: germline.
Comment: The DNM1 c.1429C>A variant is predicted to result in the amino acid substitution p.Leu477Ile. To our knowledge, this variant has not been reported in the literature or in a large population database, indicating this variant is rare. At this time, the clinical significance of this variant is uncertain due to the absence of conclusive functional and genetic evidence.